The following is an entry in ClinVar:

ClinVar aggregate classification (germline): Uncertain significance (1 of 4 stars; one submission).

gnomAD v4.1: 2 of 1,612,192 alleles (0.00012%); no homozygotes.

Submission:

GeneDx
Classification: Uncertain significance. Last evaluated: 2025-06-27. Review status: criteria provided, single submitter. Criteria: GeneDx Variant Classification Process June 2021. Collection method: clinical testing. Allele origin: germline. Affected: yes.
Comment: Not observed at significant frequency in large population cohorts (gnomAD); Missense variant in a gene in which most reported pathogenic variants are truncating/loss of function; Has not been previously published as pathogenic or benign to our knowledge

NM_001267550.2(TTN):c.51464A>G (p.Glu17155Gly)

Genes: TTN (titin; minus strand), TTN-AS1 (TTN antisense RNA 1; plus strand). Cytogenetic location: 2q31.2.
Variant type: single nucleotide variant.
Coding change: c.51464A>G on transcript NM_001267550.2 (MANE Select); coding-DNA position 51464, A replaced by G.
Protein change: p.Glu17155Gly; replaces glutamic acid 17155 with glycine.
Molecular consequence: missense variant.
Genome position (GRCh38, 1-based): chr2:178,609,959, T>C on the plus strand (A>G on the coding strand, the complement: TTN is on the minus strand). VCF-style: chr2-178609959-T-C. GRCh37 (hg19) VCF-style: chr2-179474686-T-C.
Other names: c.46541A>G, p.Glu15514Gly (NM_001256850.1); c.24269A>G, p.Glu8090Gly (NM_003319.4); c.43760A>G, p.Glu14587Gly (NM_133378.4); c.24644A>G, p.Glu8215Gly (NM_133432.3); c.24845A>G, p.Glu8282Gly (NM_133437.4); short protein forms E14587G, E15514G, E17155G, E8090G, E8215G, E8282G.
Identifiers: ClinVar variation 4540309 (VCV004540309.1).
Genomic context (GRCh38, chr2:178,609,959, plus strand): 5'-CCATCATACAAAGGTGGCTTCCATGTAATAGTCATTGCCTCCGCTGTAGGATTATGAACC[T>C]CTACATCTACAGGTGGATCAGGGGGTTCTGAAGAACAAGAAAAAAATGTTAGTATCAGGA-3'
Protein context (NP_001254479.2, residues 17145-17165): KQPPDPPVDV[Glu17155Gly]VHNPTAEAMT